The following is an entry in ClinVar:

NM_001042492.3(NF1):c.7870-19C>T

Gene: NF1 (neurofibromin 1; plus strand). Cytogenetic location: 17q11.2.
Variant type: single nucleotide variant.
Coding change: c.7870-19C>T on transcript NM_001042492.3 (MANE Select); 19 bases into the intron before coding-DNA position 7870, C replaced by T.
Molecular consequence: intron variant.
Genome position (GRCh38, 1-based): chr17:31,357,250, C>T. VCF-style: chr17-31357250-C-T. GRCh37 (hg19) VCF-style: chr17-29684268-C-T.
Other names: c.7807-19C>T (NM_000267.4).
Identifiers: ClinVar variation 1558362 (VCV001558362.12), dbSNP rs542314717, ClinGen allele CA8487686.
Genomic context (GRCh38, chr17:31,357,250, plus strand): 5'-TTCTACTTCTCACCCAAACAGATAACAATTCAGCCACAAAGTAAAAATGTTGTGTGTTTA[C>T]TTTTTTGCATCTTGGCAGGCTACACTGGTAAAATATACCACAGATGAGTTTGATCAACGA-3'

ClinVar aggregate classification (germline): Benign/Likely benign. Review status: criteria provided, multiple submitters, no conflicts (2 of 4 stars). 3 submissions from 3 submitters: Benign (1); Likely benign (2). Last evaluated 2026-05-22.

Conditions:
Neurofibromatosis, type 1 (NF1). Also called: VON RECKLINGHAUSEN DISEASE; Neurofibromatosis, type I; NEUROFIBROMATOSIS, TYPE I, SOMATIC; Peripheral type neurofibromatosis. Identifiers: Orphanet 636, MedGen C0027831, MONDO:0018975, OMIM 162200. Disease mechanism: loss of function.

Allele frequency attached by ClinVar (database versions not stated): gnomAD 0.00001 and 0.00002; ExAC 0.00006; TOPMed 0.00002; 1000 Genomes Project 0.00020; gnomAD exomes 0.00008.
gnomAD v4.1: 62 of 1,611,058 alleles (0.0038%); highest among the groups gnomAD compares: South Asian, 0.041%; no homozygotes.

Submissions (3):

Myriad Genetics, Inc.
Classification: Benign for Neurofibromatosis, type 1. Last evaluated: 2026-05-22. Review status: criteria provided, single submitter. Criteria: Myriad Autosomal Dominant, Autosomal Recessive and X-Linked Classification Criteria (2023). Collection method: clinical testing. Allele origin: unknown.
Comment: This variant is considered benign. This variant is intronic and is not expected to impact mRNA splicing. This variant has been observed at a population frequency that is significantly greater than expected given the associated disease prevalence and penetrance.

Labcorp Genetics (formerly Invitae), Labcorp
Classification: Likely benign for Neurofibromatosis, type 1. Last evaluated: 2026-01-19. Review status: criteria provided, single submitter. Criteria: Invitae Variant Classification Sherloc (09022015). Collection method: clinical testing. Allele origin: germline.

Women's Health and Genetics/Laboratory Corporation of America, LabCorp
Classification: Likely benign. Last evaluated: 2023-04-11. Review status: criteria provided, single submitter. Criteria: LabCorp Variant Classification Summary - May 2015. Collection method: clinical testing. Allele origin: germline.
Comment: Variant summary: NF1 c.7807-19C>T alters a non-conserved nucleotide located close to a canonical splice site and therefore could affect mRNA splicing, leading to a significantly altered protein sequence. 4/4 computational tools predict no significant impact on normal splicing. However, these predictions have yet to be confirmed by functional studies. The variant allele was found at a frequency of 7.6e-05 in 251118 control chromosomes (gnomAD), predominantly at a frequency of 0.00046 within the South Asian subpopulation in the gnomAD database. The observed variant frequency within South Asian control individuals in the gnomAD database is approximately 2 fold of the estimated maximal expected allele frequency for a pathogenic variant in NF1 causing Neurofibromatosis Type 1 phenotype (0.00021), strongly suggesting that the variant is a benign polymorphism found primarily in populations of South Asian origin. To our knowledge, no occurrence of c.7807-19C>T in individuals affected with Neurofibromatosis Type 1 and no experimental evidence demonstrating its impact on protein function have been reported. One ClinVar submitter has assessed the variant since 2014: the variant was classified as likely benign. Based on the evidence outlined above, the variant was classified as likely benign.

Literature cited by the submitters: PubMed 10678181 (cited by Women's Health and Genetics/Laboratory Corporation of America, LabCorp); PubMed 23460398 (cited by Women's Health and Genetics/Laboratory Corporation of America, LabCorp); PubMed 29872168 (cited by Women's Health and Genetics/Laboratory Corporation of America, LabCorp); PubMed 27069254 (cited by Women's Health and Genetics/Laboratory Corporation of America, LabCorp).